The following is an entry in ClinVar:

NM_000540.3(RYR1):c.10957T>A (p.Phe3653Ile)

Gene: RYR1 (ryanodine receptor 1; plus strand). Cytogenetic location: 19q13.2.
Variant type: single nucleotide variant.
Coding change: c.10957T>A on transcript NM_000540.3 (MANE Select); coding-DNA position 10957, T replaced by A.
Protein change: p.Phe3653Ile; replaces phenylalanine 3653 with isoleucine.
Molecular consequence: missense variant.
Genome position (GRCh38, 1-based): chr19:38,528,618, T>A. VCF-style: chr19-38528618-T-A. GRCh37 (hg19) VCF-style: chr19-39019258-T-A.
Other names: c.10942T>A, p.Phe3648Ile (NM_001042723.2); short protein forms F3648I, F3653I.
Identifiers: ClinVar variation 3074433 (VCV003074433.2), dbSNP rs2514497119, ClinGen allele CA405649715.

ClinVar aggregate classification (germline): Uncertain significance. Review status: criteria provided, multiple submitters, no conflicts (2 of 4 stars). 2 submissions from 2 submitters: Uncertain significance (2). Last evaluated 2026-03-20.

Conditions:
Malignant hyperthermia, susceptibility to, 1 (MHS1). Also called: Anesthesia related hyperthermia; Malignant hyperpyrexia; Fulminating hyperpyrexia; Pharmacogenic myopathy; RYR1-Related Malignant Hyperthermia Susceptibility; Malignant hyperthermia suceptibility 1. Identifiers: Orphanet 423, MedGen C2930980, MONDO:0007783, OMIM 145600.

Allele frequency attached by ClinVar (database versions not stated): gnomAD exomes below 0.00001.
gnomAD v4.1: 2 of 1,614,150 alleles (0.00012%); highest among the groups gnomAD compares: African/African-American, 0.0013%; no homozygotes.

Submissions (2):

GeneDx
Classification: Uncertain significance. Last evaluated: 2026-03-20. Review status: criteria provided, single submitter. Criteria: GeneDx Variant Classification Process June 2021. Collection method: clinical testing. Allele origin: germline.
Comment: Not observed at significant frequency in large population cohorts (gnomAD); In silico analysis supports that this missense variant has a deleterious effect on protein structure/function; Has not been previously published as pathogenic or benign to our knowledge

All of Us Research Program, National Institutes of Health
Classification: Uncertain significance for Malignant hyperthermia, susceptibility to, 1. Last evaluated: 2023-12-01. Review status: criteria provided, single submitter. Criteria: ACMG Guidelines, 2015. Collection method: clinical testing. Allele origin: germline. Inheritance: Autosomal dominant inheritance. Observed: 2 variant alleles, 2 heterozygotes.
Comment: This study involves interpretation of variants in research participants for the purpose of population health screening. Participant phenotype was not available at the time of variant classification. Additional details can be found in publication PMID: 35346344, PMCID: PMC8962531